The following is an entry in ClinVar:

NM_032638.5(GATA2):c.42G>T (p.Pro14=)

Gene: GATA2 (GATA binding protein 2; minus strand). Cytogenetic location: 3q21.3.
Variant type: single nucleotide variant.
Coding change: c.42G>T on transcript NM_032638.5 (MANE Select); coding-DNA position 42, G replaced by T.
Protein change: p.Pro14=; no amino-acid change (proline 14 retained).
Molecular consequence: synonymous variant.
Genome position (GRCh38, 1-based): chr3:128,486,990, C>A on the plus strand (G>T on the coding strand, the complement: GATA2 is on the minus strand). VCF-style: chr3-128486990-C-A. GRCh37 (hg19) VCF-style: chr3-128205833-C-A.
Other names: c.42G>T, p.Pro14= (NM_001145661.2, NM_001145662.1).
Identifiers: ClinVar variation 412754 (VCV000412754.50), dbSNP rs372722885, ClinGen allele CA2600117.

ClinVar aggregate classification (germline): Likely benign. Review status: criteria provided, multiple submitters, no conflicts (2 of 4 stars). 6 submissions from 6 submitters: Likely benign (6). Last evaluated 2026-01-29.

Conditions:
Inborn genetic diseases. Identifiers: MedGen C0950123, MeSH D030342.
Deafness-lymphedema-leukemia syndrome. Also called: Emberger syndrome; Lymphedema, primary, with myelodysplasia. Identifiers: Orphanet 3226, MedGen C3279664, MONDO:0013540, OMIM 614038.
Monocytopenia with susceptibility to infections. Also called: MONOCYTOPENIA AND MYCOBACTERIAL INFECTION SYNDROME; MONOCYTOPENIA WITH SUSCEPTIBILITY TO MYCOBACTERIAL, FUNGAL, AND PAPILLOMAVIRUS INFECTIONS AND MYELODYSPLASIA; COMBINED IMMUNODEFICIENCY WITH SUSCEPTIBILITY TO MYCOBACTERIAL, VIRAL, AND FUNGAL INFECTIONS; Dendritic cell, monocyte, B lymphocyte, and natural killer lymphocyte deficiency; IMMUNODEFICIENCY 21; GATA2 DEFICIENCY. Identifiers: Orphanet 228423, MedGen C3280030, MONDO:0013607, OMIM 614172.

Allele frequency attached by ClinVar (database versions not stated): ExAC 0.00008; TOPMed 0.00009; gnomAD 0.00010 and 0.00011; ESP Exome Variant Server 0.00015.
gnomAD v4.1: 172 of 1,606,842 alleles (0.011%); highest among the groups gnomAD compares: Non-Finnish European, 0.014%; no homozygotes.

Submissions (6):

Labcorp Genetics (formerly Invitae), Labcorp
Classification: Likely benign for Monocytopenia with susceptibility to infections; Deafness-lymphedema-leukemia syndrome. Last evaluated: 2026-01-29. Review status: criteria provided, single submitter. Criteria: Invitae Variant Classification Sherloc (09022015). Collection method: clinical testing. Allele origin: germline.

Ambry Genetics
Classification: Likely benign for Inborn genetic diseases. Last evaluated: 2024-08-21. Review status: criteria provided, single submitter. Criteria: Ambry Variant Classification Scheme 2023. Collection method: clinical testing. Allele origin: germline.

Blueprint Genetics
Classification: Likely benign. Last evaluated: 2024-08-15. Review status: criteria provided, single submitter. Criteria: ACMG Guidelines, 2015. Collection method: clinical testing. Allele origin: germline.

CeGaT Center for Human Genetics Tuebingen
Classification: Likely benign. Last evaluated: 2023-06-01. Review status: criteria provided, single submitter. Criteria: CeGaT Center For Human Genetics Tuebingen Variant Classification Criteria Version 2. Collection method: clinical testing. Allele origin: germline. Affected: yes. Observed: 1 variant allele.
Comment: GATA2: BP4, BP7

ARUP Laboratories, Molecular Genetics and Genomics, ARUP Laboratories
Classification: Likely benign. Last evaluated: 2019-12-08. Review status: criteria provided, single submitter. Criteria: ARUP Molecular Germline Variant Investigation Process. Collection method: clinical testing. Allele origin: germline.

Illumina Laboratory Services, Illumina
Classification: Likely benign for Deafness-lymphedema-leukemia syndrome. Last evaluated: 2017-04-27. Review status: criteria provided, single submitter. Criteria: ICSL Variant Classification Criteria 13 December 2019. Collection method: clinical testing. Allele origin: germline.
Comment: This variant was observed as part of a predisposition screen in an ostensibly healthy population. A literature search was performed for the gene, cDNA change, and amino acid change (where applicable). No publications were found based on this search. Allele frequency data from public databases allowed determination this variant is unlikely to cause disease. Therefore, this variant is classified as likely benign.